The following is an entry in ClinVar:

NM_000368.5(TSC1):c.2809G>A (p.Ala937Thr)

Gene: TSC1 (TSC complex subunit 1; minus strand). Cytogenetic location: 9q34.13.
Variant type: single nucleotide variant.
Coding change: c.2809G>A on transcript NM_000368.5 (MANE Select); coding-DNA position 2809, G replaced by A.
Protein change: p.Ala937Thr; replaces alanine 937 with threonine.
Molecular consequence: missense variant.
Genome position (GRCh38, 1-based): chr9:132,897,427, C>T on the plus strand (G>A on the coding strand, the complement: TSC1 is on the minus strand). VCF-style: chr9-132897427-C-T. GRCh37 (hg19) VCF-style: chr9-135772814-C-T.
Other names: c.2806G>A, p.Ala936Thr (NM_001162426.2); c.2656G>A, p.Ala886Thr (NM_001162427.2); c.2446G>A, p.Ala816Thr (NM_001362177.2); short protein forms A816T, A936T, A886T, A937T.
Identifiers: ClinVar variation 946595 (VCV000946595.9), dbSNP rs1845136006, ClinGen allele CA375368999.

ClinVar aggregate classification (germline): Uncertain significance (1 of 4 stars; one submission).

Conditions:
Tuberous sclerosis 1 (TSC1). Identifiers: Orphanet 805, MedGen C1854465, MONDO:0008612, OMIM 191100.

Submission:

Labcorp Genetics (formerly Invitae), Labcorp
Classification: Uncertain significance for Tuberous sclerosis 1. Last evaluated: 2025-06-18. Review status: criteria provided, single submitter. Criteria: Invitae Variant Classification Sherloc (09022015). Collection method: clinical testing. Allele origin: germline.
Comment: This sequence change replaces alanine, which is neutral and non-polar, with threonine, which is neutral and polar, at codon 937 of the TSC1 protein (p.Ala937Thr). This variant is not present in population databases (gnomAD no frequency). This variant has not been reported in the literature in individuals affected with TSC1-related conditions. ClinVar contains an entry for this variant (Variation ID: 946595). Invitae Evidence Modeling of protein sequence and biophysical properties (such as structural, functional, and spatial information, amino acid conservation, physicochemical variation, residue mobility, and thermodynamic stability) indicates that this missense variant is not expected to disrupt TSC1 protein function with a negative predictive value of 95%. In summary, the available evidence is currently insufficient to determine the role of this variant in disease. Therefore, it has been classified as a Variant of Uncertain Significance.